The following is an entry in ClinVar:

ClinVar aggregate classification (germline): Conflicting classifications of pathogenicity. Review status: criteria provided, conflicting classifications (1 of 4 stars). 3 submissions from 3 submitters: Uncertain significance (2); Likely benign (1). Last evaluated 2025-06-02.

Conditions:
Arrhythmogenic right ventricular cardiomyopathy (ARVD). Also called: Cardiomyopathy, ARVC; Arrhythmogenic right ventricular dysplasia; Arrhythmogenic cardiomyopathy; Arrhythmogenic Right Ventricular Cardiomyopathy (ARVC). Identifiers: Orphanet 247, MedGen C0349788, MeSH D019571, MONDO:0016587. Disease mechanism: loss of function. Inheritance: Various modes of inheritance.
Cardiomyopathy (CMYO). Also called: Cardiomyopathies. Identifiers: Orphanet 167848, MedGen C0878544, MONDO:0004994, HP:0001638. Inheritance: Various modes of inheritance.
Cardiovascular phenotype. Identifiers: MedGen CN230736.

Allele frequency attached by ClinVar (database versions not stated): gnomAD 0.00001.
gnomAD v4.1: 4 of 1,613,822 alleles (0.00025%); highest among the groups gnomAD compares: African/African-American, 0.0013%; no homozygotes.

Submissions (3):

Color Diagnostics, LLC DBA Color Health
Classification: Likely benign for Cardiomyopathy. Last evaluated: 2025-06-02. Review status: criteria provided, single submitter. Criteria: ACMG Guidelines, 2015. Collection method: clinical testing. Allele origin: germline.

All of Us Research Program, National Institutes of Health
Classification: Uncertain significance for Arrhythmogenic right ventricular cardiomyopathy. Last evaluated: 2023-08-15. Review status: criteria provided, single submitter. Criteria: ACMG Guidelines, 2015. Collection method: clinical testing. Allele origin: germline. Inheritance: Autosomal dominant inheritance. Observed: 1 variant allele, 1 heterozygote.
Comment: This study involves interpretation of variants in research participants for the purpose of population health screening. Participant phenotype was not available at the time of variant classification. Additional details can be found in publication PMID: 35346344, PMCID: PMC8962531

Ambry Genetics
Classification: Uncertain significance for Cardiovascular phenotype. Last evaluated: 2020-03-24. Review status: criteria provided, single submitter. Criteria: Ambry Variant Classification Scheme 2023. Collection method: clinical testing. Allele origin: germline.
Comment: The p.S209G variant (also known as c.625A>G), located in coding exon 3 of the PKP2 gene, results from an A to G substitution at nucleotide position 625. The serine at codon 209 is replaced by glycine, an amino acid with similar properties. A different variant affecting this codon (p.S209R, c.627C>G) co-occurred with other variants in an individual from an arrhythmogenic right ventricular cardiomyopathy cohort (Xu T et al. J. Am. Coll. Cardiol., 2010 Feb;55:587-97). This amino acid position is not well conserved in available vertebrate species, and glycine is the reference amino acid in other vertebrate species. In addition, this alteration is predicted to be tolerated by in silico analysis. Since supporting evidence is limited at this time, the clinical significance of this alteration remains unclear.

Literature cited by the submitters: PubMed 20152563 (cited by Ambry Genetics).

NM_001005242.3(PKP2):c.625A>G (p.Ser209Gly)

Gene: PKP2 (plakophilin 2; minus strand). Cytogenetic location: 12p11.21.
Variant type: single nucleotide variant.
Coding change: c.625A>G on transcript NM_001005242.3 (MANE Select); coding-DNA position 625, A replaced by G.
Protein change: p.Ser209Gly; replaces serine 209 with glycine.
Molecular consequence: missense variant.
Genome position (GRCh38, 1-based): chr12:32,878,255, T>C on the plus strand (A>G on the coding strand, the complement: PKP2 is on the minus strand). VCF-style: chr12-32878255-T-C. GRCh37 (hg19) VCF-style: chr12-33031189-T-C.
Other names: c.625A>G, p.Ser209Gly (NM_001407155.1, NM_001407156.1, NM_001407157.1 and 2 more transcripts); c.298A>G, p.Ser100Gly (NM_001407158.1, NM_001407159.1, NM_001407160.1 and 1 more transcripts); short protein forms S209G, S100G.
Identifiers: ClinVar variation 1752476 (VCV001752476.4), dbSNP rs1442721723, ClinGen allele CA384363954.